The following is an entry in ClinVar:

NM_000091.5(COL4A3):c.2657-6C>T

Genes: COL4A3 (collagen type IV alpha 3 chain; plus strand), MFF-DT (MFF divergent transcript; minus strand). Cytogenetic location: 2q36.3.
Variant type: single nucleotide variant.
Coding change: c.2657-6C>T on transcript NM_000091.5 (MANE Select); 6 bases into the intron before coding-DNA position 2657, C replaced by T.
Molecular consequence: intron variant.
Genome position (GRCh38, 1-based): chr2:227,283,761, C>T. VCF-style: chr2-227283761-C-T. GRCh37 (hg19) VCF-style: chr2-228148477-C-T.
Identifiers: ClinVar variation 2691526 (VCV002691526.7), dbSNP rs2072136807, ClinGen allele CA1332851102.

ClinVar aggregate classification (germline): Conflicting classifications of pathogenicity. Review status: criteria provided, conflicting classifications (1 of 4 stars). 3 submissions from 3 submitters: Uncertain significance (1); Likely benign (2). Last evaluated 2025-07-24.

Allele frequency attached by ClinVar (database versions not stated): gnomAD exomes below 0.00001; TOPMed below 0.00001.
gnomAD v4.1: 1 of 1,613,200 alleles (0.000062%); highest among the groups gnomAD compares: Admixed American, 0.0017%; no homozygotes.

Submissions (3):

Labcorp Genetics (formerly Invitae), Labcorp
Classification: Likely benign. Last evaluated: 2025-07-24. Review status: criteria provided, single submitter. Criteria: Invitae Variant Classification Sherloc (09022015). Collection method: clinical testing. Allele origin: germline.

Women's Health and Genetics/Laboratory Corporation of America, LabCorp
Classification: Likely benign. Last evaluated: 2025-04-23. Review status: criteria provided, single submitter. Criteria: LabCorp Variant Classification Summary - May 2015. Collection method: clinical testing. Allele origin: germline.

GeneDx
Classification: Uncertain significance. Last evaluated: 2024-07-25. Review status: criteria provided, single submitter. Criteria: GeneDx Variant Classification Process June 2021. Collection method: clinical testing. Allele origin: germline. Affected: yes.
Comment: Not observed at significant frequency in large population cohorts (gnomAD); In silico analysis indicates that this variant does not alter splicing; Has not been previously published as pathogenic or benign to our knowledge